The following is an entry in ClinVar:

ClinVar aggregate classification (germline): Uncertain significance (1 of 4 stars; one submission).

Conditions:
Developmental and epileptic encephalopathy, 36 (DEE36). Also called: ALG13-CDG; Epileptic encephalopathy, early infantile, 36; Congenital disorder of glycosylation, type Is. Identifiers: Orphanet 324422, MedGen C4317295, MONDO:0010472, OMIM 300884.

Submission:

Labcorp Genetics (formerly Invitae), Labcorp
Classification: Uncertain significance for Developmental and epileptic encephalopathy, 36. Last evaluated: 2022-03-19. Review status: criteria provided, single submitter. Criteria: Invitae Variant Classification Sherloc (09022015). Collection method: clinical testing. Allele origin: germline.
Comment: Algorithms developed to predict the effect of missense changes on protein structure and function are either unavailable or do not agree on the potential impact of this missense change (SIFT: "Deleterious"; PolyPhen-2: "Probably Damaging"; Align-GVGD: "Class C0"). Algorithms developed to predict the effect of sequence changes on RNA splicing suggest that this variant may disrupt the consensus splice site. In summary, the available evidence is currently insufficient to determine the role of this variant in disease. Therefore, it has been classified as a Variant of Uncertain Significance. This missense change has been observed in individual(s) with clinical features of epileptic encephalopathy (Invitae). This variant is not present in population databases (gnomAD no frequency). This sequence change replaces lysine, which is basic and polar, with arginine, which is basic and polar, at codon 64 of the ALG13 protein (p.Lys64Arg).

NM_001099922.3(ALG13):c.191A>G (p.Lys64Arg)

Gene: ALG13 (ALG13 UDP-N-acetylglucosaminyltransferase subunit; plus strand). Cytogenetic location: Xq23.
Variant type: single nucleotide variant.
Coding change: c.191A>G on transcript NM_001099922.3 (MANE Select); coding-DNA position 191, A replaced by G.
Protein change: p.Lys64Arg; replaces lysine 64 with arginine.
Molecular consequence: missense variant. On other transcripts: 5 prime UTR variant (9), non-coding transcript variant (3), intron variant (3).
Genome position (GRCh38, 1-based): chrX:111,682,241, A>G. VCF-style: chrX-111682241-A-G. GRCh37 (hg19) VCF-style: chrX-110925469-A-G.
Other names: c.191A>G, p.Lys64Arg (NM_001168385.3, NM_001324290.2, NM_001324292.2 and 1 more transcripts); c.-122A>G (NM_001257230.2, NM_001257234.2, NM_001257235.3 and 6 more transcripts); c.10+6A>G (NM_001257231.2, NM_001257241.3); c.185+6A>G (NM_001039210.5); short protein forms K64R.
Identifiers: ClinVar variation 1495462 (VCV001495462.8), dbSNP rs2147626333, ClinGen allele CA414248370.